The following is an entry in ClinVar:

ClinVar aggregate classification (germline): Uncertain significance (1 of 4 stars; one submission).

Submission:

Labcorp Genetics (formerly Invitae), Labcorp
Classification: Uncertain significance. Last evaluated: 2021-12-24. Review status: criteria provided, single submitter. Criteria: Invitae Variant Classification Sherloc (09022015). Collection method: clinical testing. Allele origin: germline.
Comment: In summary, the available evidence is currently insufficient to determine the role of this variant in disease. Therefore, it has been classified as a Variant of Uncertain Significance. Advanced modeling of protein sequence and biophysical properties (such as structural, functional, and spatial information, amino acid conservation, physicochemical variation, residue mobility, and thermodynamic stability) performed at Invitae indicates that this missense variant is expected to disrupt MTOR protein function. This variant has not been reported in the literature in individuals affected with MTOR-related conditions. This variant is not present in population databases (gnomAD no frequency). This sequence change replaces valine, which is neutral and non-polar, with alanine, which is neutral and non-polar, at codon 122 of the MTOR protein (p.Val122Ala).

NM_004958.4(MTOR):c.365T>C (p.Val122Ala)

Gene: MTOR (mechanistic target of rapamycin kinase; minus strand). Cytogenetic location: 1p36.22.
Variant type: single nucleotide variant.
Coding change: c.365T>C on transcript NM_004958.4 (MANE Select); coding-DNA position 365, T replaced by C.
Protein change: p.Val122Ala; replaces valine 122 with alanine.
Molecular consequence: missense variant. On other transcripts: 5 prime UTR variant (1).
Genome position (GRCh38, 1-based): chr1:11,257,072, A>G on the plus strand (T>C on the coding strand, the complement: MTOR is on the minus strand). VCF-style: chr1-11257072-A-G. GRCh37 (hg19) VCF-style: chr1-11317129-A-G.
Other names: c.365T>C, p.Val122Ala (NM_001386500.1); c.-775T>C (NM_001386501.1); short protein forms V122A.
Identifiers: ClinVar variation 2057121 (VCV002057121.4), dbSNP rs2523457619, ClinGen allele CA338404052.